The following is an entry in ClinVar:

NM_020987.5(ANK3):c.11751C>A (p.Asn3917Lys)

Gene: ANK3 (ankyrin 3; minus strand). Cytogenetic location: 10q21.2.
Variant type: single nucleotide variant.
Coding change: c.11751C>A on transcript NM_020987.5 (MANE Select); coding-DNA position 11751, C replaced by A.
Protein change: p.Asn3917Lys; replaces asparagine 3917 with lysine.
Molecular consequence: missense variant. On other transcripts: intron variant (4).
Genome position (GRCh38, 1-based): chr10:60,069,130, G>T on the plus strand (C>A on the coding strand, the complement: ANK3 is on the minus strand). VCF-style: chr10-60069130-G-T. GRCh37 (hg19) VCF-style: chr10-61828888-G-T.
Other names: c.4388-1121C>A (NM_001204403.2); c.4409-1121C>A (NM_001204404.2); c.4406-1121C>A (NM_001320874.2); c.1808-1121C>A (NM_001149.4); c.11751C>A (NM_020987.3); short protein forms N3917K.
Identifiers: ClinVar variation 4980771 (VCV004980771.2).

ClinVar aggregate classification (germline): Uncertain significance. Review status: criteria provided, multiple submitters, no conflicts (2 of 4 stars). 2 submissions from 2 submitters: Uncertain significance (2). Last evaluated 2026-08-04.

Conditions:
Inborn genetic diseases. Identifiers: MedGen C0950123, MeSH D030342.
ANK3-related disorder. Also called: ANK3-related condition.

gnomAD v4.1: 168 of 1,613,656 alleles (0.01%); highest among the groups gnomAD compares: Non-Finnish European, 0.014%; no homozygotes.

Submissions (2):

Ambry Genetics
Classification: Uncertain significance for Inborn genetic diseases. Last evaluated: 2026-08-04. Review status: criteria provided, single submitter. Criteria: Ambry Variant Classification Scheme 2023. Collection method: clinical testing. Allele origin: germline.
Comment: The c.11751C>A (p.N3917K) alteration is located in exon 37 (coding exon 37) of the ANK3 gene. This alteration results from a C to A substitution at nucleotide position 11751, causing the asparagine (N) at amino acid position 3917 to be replaced by a lysine (K). Based on data from gnomAD, the A allele has an overall frequency of 0.002% (5/251206) total alleles studied. The highest observed frequency was 0.004% (5/113516) of European (non-Finnish) alleles. Based on insufficient or conflicting evidence, the clinical significance of this alteration remains unclear.

PreventionGenetics, part of Exact Sciences
Classification: Uncertain significance for ANK3-related condition. Last evaluated: 2024-12-26. Review status: criteria provided, single submitter. Criteria: ACMG Guidelines, 2015. Collection method: clinical testing. Allele origin: germline.
Comment: The ANK3 c.11751C>A variant is predicted to result in the amino acid substitution p.Asn3917Lys. To our knowledge, this variant has not been reported in the literature. This variant is reported in 0.0044% of alleles in individuals of European (Non-Finnish) descent in gnomAD. At this time, the clinical significance of this variant is uncertain due to the absence of conclusive functional and genetic evidence.